The following is an entry in ClinVar:

ClinVar aggregate classification (germline): Uncertain significance. Review status: criteria provided, multiple submitters, no conflicts (2 of 4 stars). 2 submissions from 2 submitters: Uncertain significance (2). Last evaluated 2026-06-19.

Conditions:
Fanconi anemia (FA). Also called: Fanconi's anemia. Identifiers: Orphanet 84, MedGen C0015625, MeSH D005199, MONDO:0019391.
Inborn genetic diseases. Identifiers: MedGen C0950123, MeSH D030342.

Submissions (2):

Ambry Genetics
Classification: Uncertain significance for Inborn genetic diseases. Last evaluated: 2026-06-19. Review status: criteria provided, single submitter. Criteria: Ambry Variant Classification Scheme 2023. Collection method: clinical testing. Allele origin: germline.
Comment: The p.M377V variant (also known as c.1129A>G), located in coding exon 6 of the FANCM gene, results from an A to G substitution at nucleotide position 1129. The methionine at codon 377 is replaced by valine, an amino acid with highly similar properties. This amino acid position is conserved. In addition, this alteration is predicted to be tolerated by in silico analysis. Based on the available evidence, the clinical significance of this variant remains unclear.

Labcorp Genetics (formerly Invitae), Labcorp
Classification: Uncertain significance for Fanconi anemia. Last evaluated: 2022-11-08. Review status: criteria provided, single submitter. Criteria: Invitae Variant Classification Sherloc (09022015). Collection method: clinical testing. Allele origin: germline.
Comment: In summary, the available evidence is currently insufficient to determine the role of this variant in disease. Therefore, it has been classified as a Variant of Uncertain Significance. Algorithms developed to predict the effect of missense changes on protein structure and function (SIFT, PolyPhen-2, Align-GVGD) all suggest that this variant is likely to be tolerated. This variant has not been reported in the literature in individuals affected with FANCM-related conditions. This variant is not present in population databases (gnomAD no frequency). This sequence change replaces methionine, which is neutral and non-polar, with valine, which is neutral and non-polar, at codon 377 of the FANCM protein (p.Met377Val).

NM_020937.4(FANCM):c.1129A>G (p.Met377Val)

Gene: FANCM (FA complementation group M; plus strand). Cytogenetic location: 14q21.2.
Variant type: single nucleotide variant.
Coding change: c.1129A>G on transcript NM_020937.4 (MANE Select); coding-DNA position 1129, A replaced by G.
Protein change: p.Met377Val; replaces methionine 377 with valine.
Molecular consequence: missense variant.
Genome position (GRCh38, 1-based): chr14:45,153,998, A>G. VCF-style: chr14-45153998-A-G. GRCh37 (hg19) VCF-style: chr14-45623201-A-G.
Other names: c.1051A>G, p.Met351Val (NM_001308133.2); c.1129A>G, p.Met377Val (NM_001308134.2); short protein forms M377V, M351V.
Identifiers: ClinVar variation 2907229 (VCV002907229.4), dbSNP rs2503102674, ClinGen allele CA389590950.